The following is an entry in ClinVar:

ClinVar aggregate classification (germline): Likely pathogenic (1 of 4 stars; one submission).

Submission:

Dasa
Classification: Likely pathogenic. Last evaluated: 2025-11-11. Review status: criteria provided, single submitter. Criteria: DASA Assertion Criteria. Collection method: clinical testing. Allele origin: germline.
Comment: NM_016156.6(MTMR2):c.805-1_805insAGGCCGTATCCCA (p.Val269Argfs*12) is a splice-region variant predicted to affect normal RNA splicing. Loss of function is an established disease mechanism for MTMR2-associated disorders. Also, this variant is rare in population databases. Based on the currently available evidence, this variant is classified as likely pathogenic.

NM_016156.6(MTMR2):c.805-1_805insAGGCCGTATCCCA

Gene: MTMR2 (myotubularin related protein 2; minus strand). Cytogenetic location: 11q21.
Variant type: Insertion.
Coding change: c.805-1_805insAGGCCGTATCCCA on transcript NM_016156.6 (MANE Select); the canonical splice acceptor site of the intron before coding-DNA position 805 through coding-DNA position 805, AGGCCGTATCCCA inserted.
Molecular consequence: splice acceptor variant. On other transcripts: intron variant (1).
Genome position: GRCh38 VCF-style: chr11-95849862-C-CTGGGATACGGCCT. GRCh37 (hg19) VCF-style: chr11-95583026-C-CTGGGATACGGCCT.
Other names: c.589-1_589insAGGCCGTATCCCA (NM_001440635.1, NM_001440636.1, NM_201281.3 and 11 more transcripts); c.619-1_619insAGGCCGTATCCCA (NM_001440649.1); c.721-1_721insAGGCCGTATCCCA (NM_001440647.1); c.804+737_804+738insAGGCCGTATCCCA (NM_001440651.1); c.805-1_805insAGGCCGTATCCCA (NM_001440650.1, NM_001440648.1); c.457-1_457insAGGCCGTATCCCA (NM_001440642.1); c.403-1_403insAGGCCGTATCCCA (NM_001440643.1).
Identifiers: ClinVar variation 4886586 (VCV004886586.2).